The following is an entry in ClinVar:

ClinVar aggregate classification (germline): Likely benign (0 of 4 stars; one submission).

Conditions:
MUC16-related disorder. Also called: MUC16-related condition.

Allele frequency attached by ClinVar (database versions not stated): gnomAD 0.01486; ExAC 0.05923.

Submission:

PreventionGenetics, part of Exact Sciences
Classification: Likely benign for MUC16-related condition. Last evaluated: 2019-05-01. Review status: no assertion criteria provided. Collection method: clinical testing. Allele origin: germline.
Comment: This variant is classified as likely benign based on ACMG/AMP sequence variant interpretation guidelines (Richards et al. 2015 PMID: 25741868, with internal and published modifications).

NM_001401501.2(MUC16):c.39833-4A>G

Gene: MUC16 (mucin 16, cell surface associated; minus strand). Cytogenetic location: 19p13.2.
Variant type: single nucleotide variant.
Coding change: c.39833-4A>G on transcript NM_001401501.2 (MANE Select); 4 bases into the intron before coding-DNA position 39833, A replaced by G.
Molecular consequence: intron variant.
Genome position (GRCh38, 1-based): chr19:8,895,739, T>C on the plus strand (A>G on the coding strand, the complement: MUC16 is on the minus strand). VCF-style: chr19-8895739-T-C. GRCh37 (hg19) VCF-style: chr19-9006415-T-C.
Other names: c.40259-4A>G (NM_001414686.1); c.39713-4A>G (NM_001414687.1); c.39607-4A>G (NM_024690.2).
Identifiers: ClinVar variation 3056455 (VCV003056455.2), dbSNP rs77874966, ClinGen allele CA9163928.